The following is an entry in ClinVar:

ClinVar aggregate classification (germline): Pathogenic (1 of 4 stars; one submission).

Conditions:
Spastic paraplegia. Identifiers: MedGen C0037772, HP:0001258.

Submission:

Labcorp Genetics (formerly Invitae), Labcorp
Classification: Pathogenic for Spastic paraplegia. Last evaluated: 2021-08-07. Review status: criteria provided, single submitter. Criteria: Invitae Variant Classification Sherloc (09022015). Collection method: clinical testing. Allele origin: germline.
Comment: For these reasons, this variant has been classified as Pathogenic. This variant disrupts a region of the SACS protein in which other variant(s) (p.Arg3970Thrfs*2) have been determined to be pathogenic (Invitae). This suggests that this is a clinically significant region of the protein, and that variants that disrupt it are likely to be disease-causing. This variant has not been reported in the literature in individuals affected with SACS-related conditions. This variant is not present in population databases (ExAC no frequency). This sequence change creates a premature translational stop signal (p.Tyr3950Thrfs*2) in the SACS gene. While this is not anticipated to result in nonsense mediated decay, it is expected to disrupt the last 630 amino acid(s) of the SACS protein.

NM_014363.6(SACS):c.11848del (p.Tyr3950fs)

Gene: SACS (sacsin molecular chaperone; minus strand). Cytogenetic location: 13q12.12.
Variant type: Deletion.
Coding change: c.11848del on transcript NM_014363.6 (MANE Select); coding-DNA position 11848, one base deleted (T; older notation c.11848delT).
Protein change: p.Tyr3950fs; shifts the reading frame from tyrosine 3950.
Molecular consequence: frameshift variant.
Genome position (GRCh38, 1-based): chr13:23,332,028, A deleted on the plus strand (T on the coding strand, the reverse complement: SACS is on the minus strand). VCF-style (leftmost placement, unchanged base first): chr13-23332027-TA-T. GRCh37 (hg19) VCF-style: chr13-23906166-TA-T.
Other names: c.11407del, p.Tyr3803fs (NM_001278055.2); short protein forms Y3803fs, Y3950fs.
Identifiers: ClinVar variation 1357686 (VCV001357686.6), dbSNP rs2137563478, ClinGen allele CA2573149132.